The following is an entry in ClinVar:

ClinVar aggregate classification (germline): Uncertain significance (1 of 4 stars; one submission).

Conditions:
Familial cold autoinflammatory syndrome 2 (FCAS2). Identifiers: Orphanet 247868, MedGen C2673198, MONDO:0012724, OMIM 611762.

Submission:

Labcorp Genetics (formerly Invitae), Labcorp
Classification: Uncertain significance for Familial cold autoinflammatory syndrome 2. Last evaluated: 2024-02-02. Review status: criteria provided, single submitter. Criteria: Invitae Variant Classification Sherloc (09022015). Collection method: clinical testing. Allele origin: germline.
Comment: This sequence change replaces arginine, which is basic and polar, with serine, which is neutral and polar, at codon 971 of the NLRP12 protein (p.Arg971Ser). This variant is not present in population databases (gnomAD no frequency). This variant has not been reported in the literature in individuals affected with NLRP12-related conditions. An algorithm developed to predict the effect of missense changes on protein structure and function (PolyPhen-2) suggests that this variant is likely to be tolerated. In summary, the available evidence is currently insufficient to determine the role of this variant in disease. Therefore, it has been classified as a Variant of Uncertain Significance.

NM_144687.4(NLRP12):c.2913A>T (p.Arg971Ser)

Gene: NLRP12 (NLR family pyrin domain containing 12; minus strand). Cytogenetic location: 19q13.42.
Variant type: single nucleotide variant.
Coding change: c.2913A>T on transcript NM_144687.4 (MANE Select); coding-DNA position 2913, A replaced by T.
Protein change: p.Arg971Ser; replaces arginine 971 with serine.
Molecular consequence: missense variant. On other transcripts: intron variant (1).
Genome position (GRCh38, 1-based): chr19:53,798,257, T>A on the plus strand (A>T on the coding strand, the complement: NLRP12 is on the minus strand). VCF-style: chr19-53798257-T-A. GRCh37 (hg19) VCF-style: chr19-54301511-T-A.
Other names: c.2916A>T, p.Arg972Ser (NM_001277126.2); c.2757-2228A>T (NM_001277129.1); short protein forms R971S, R972S.
Identifiers: ClinVar variation 3670749 (VCV003670749.2).